The following is an entry in ClinVar:

NM_000489.6(ATRX):c.5024A>G (p.Asp1675Gly)

Gene: ATRX (ATRX chromatin remodeler; minus strand). Cytogenetic location: Xq21.1.
Variant type: single nucleotide variant.
Coding change: c.5024A>G on transcript NM_000489.6 (MANE Select); coding-DNA position 5024, A replaced by G.
Protein change: p.Asp1675Gly; replaces aspartic acid 1675 with glycine.
Molecular consequence: missense variant.
Genome position (GRCh38, 1-based): chrX:77,633,317, T>C on the plus strand (A>G on the coding strand, the complement: ATRX is on the minus strand). VCF-style: chrX-77633317-T-C. GRCh37 (hg19) VCF-style: chrX-76888805-T-C.
Other names: c.4910A>G, p.Asp1637Gly (NM_138270.5); short protein forms D1637G, D1675G.
Identifiers: ClinVar variation 3361120 (VCV003361120.1).
Genomic context (GRCh38, chrX:77,633,317, plus strand): 5'-ACATTCCTTCCTTGAGCAAGATTTCTATACATCTCATAGCCTATGATCATAACACCACCA[T>C]CTTCTTGCCACCTCTGCAGCATGTAGCTTCTCTCCTGAGGACGTTTCACAGTTGCTAATT-3'
Protein context (NP_000480.3, residues 1665-1685): RSYMLQRWQE[Asp1675Gly]GGVMIIGYEM

ClinVar aggregate classification (germline): Uncertain significance (1 of 4 stars; one submission).

Submission:

GeneDx
Classification: Uncertain significance. Last evaluated: 2023-07-20. Review status: criteria provided, single submitter. Criteria: GeneDx Variant Classification Process June 2021. Collection method: clinical testing. Allele origin: germline. Affected: yes.
Comment: Not observed at significant frequency in large population cohorts (gnomAD); In silico analysis supports that this missense variant has a deleterious effect on protein structure/function; Has not been previously published as pathogenic or benign to our knowledge; This variant is associated with the following publications: (PMID: 18409179)